The following is an entry in ClinVar:

ClinVar aggregate classification (germline): Uncertain significance. Review status: criteria provided, multiple submitters, no conflicts (2 of 4 stars). 2 submissions from 2 submitters: Uncertain significance (2). Last evaluated 2025-05-13.

Conditions:
Autosomal recessive nonsyndromic hearing loss 67. Identifiers: Orphanet 90636, MedGen C1853223, MONDO:0012460, OMIM 610265.

Allele frequency attached by ClinVar (database versions not stated): gnomAD 0.00002; TOPMed 0.00002; ExAC 0.00004.
gnomAD v4.1: 50 of 1,613,998 alleles (0.0031%); highest among the groups gnomAD compares: East Asian, 0.013%; no homozygotes.

Submissions (2):

Mayo Clinic Laboratories, Mayo Clinic
Classification: Uncertain significance. Last evaluated: 2025-05-13. Review status: criteria provided, single submitter. Criteria: ACMG Guidelines, 2015. Collection method: clinical testing. Allele origin: germline. Observed: 1 variant allele.
Comment: PM2_moderate

Illumina Laboratory Services, Illumina
Classification: Uncertain significance for Autosomal recessive nonsyndromic hearing loss 67. Last evaluated: 2017-04-28. Review status: criteria provided, single submitter. Criteria: ICSL Variant Classification Criteria 13 December 2019. Collection method: clinical testing. Allele origin: germline.

NM_182548.4(LHFPL5):c.527G>A (p.Arg176His)

Gene: LHFPL5 (LHFPL tetraspan subfamily member 5; plus strand). Cytogenetic location: 6p21.31.
Variant type: single nucleotide variant.
Coding change: c.527G>A on transcript NM_182548.4 (MANE Select); coding-DNA position 527, G replaced by A.
Protein change: p.Arg176His; replaces arginine 176 with histidine.
Molecular consequence: missense variant.
Genome position (GRCh38, 1-based): chr6:35,814,660, G>A. VCF-style: chr6-35814660-G-A. GRCh37 (hg19) VCF-style: chr6-35782437-G-A.
Other names: p.Arg176His; short protein forms R176H.
Identifiers: ClinVar variation 905376 (VCV000905376.5), dbSNP rs774466373, ClinGen allele CA3774435.